The following is an entry in ClinVar:

ClinVar aggregate classification (germline): Uncertain significance (1 of 4 stars; one submission).

Allele frequency attached by ClinVar (database versions not stated): TOPMed below 0.00001; gnomAD 0.00001.
gnomAD v4.1: 1 of 1,614,038 alleles (0.000062%); highest among the groups gnomAD compares: Non-Finnish European, 0.000085%; no homozygotes.

Submission:

CeGaT Center for Human Genetics Tuebingen
Classification: Uncertain significance. Last evaluated: 2024-02-01. Review status: criteria provided, single submitter. Criteria: CeGaT Center For Human Genetics Tuebingen Variant Classification Criteria Version 2. Collection method: clinical testing. Allele origin: germline. Affected: yes. Observed: 1 variant allele.
Comment: EYS: PM2

NM_001142800.2(EYS):c.443T>C (p.Phe148Ser)

Gene: EYS (EGF-like photoreceptor maintenance factor; minus strand). Cytogenetic location: 6q12.
Variant type: single nucleotide variant.
Coding change: c.443T>C on transcript NM_001142800.2 (MANE Select); coding-DNA position 443, T replaced by C.
Protein change: p.Phe148Ser; replaces phenylalanine 148 with serine.
Molecular consequence: missense variant.
Genome position (GRCh38, 1-based): chr6:65,494,968, A>G on the plus strand (T>C on the coding strand, the complement: EYS is on the minus strand). VCF-style: chr6-65494968-A-G. GRCh37 (hg19) VCF-style: chr6-66204861-A-G.
Other names: c.443T>C, p.Phe148Ser (NM_001142801.2, NM_001292009.2, NM_198283.2); short protein forms F148S.
Identifiers: ClinVar variation 3026473 (VCV003026473.22), dbSNP rs1486613667, ClinGen allele CA364789898.